The following is an entry in ClinVar:

NM_152906.7(TANGO2):c.508G>A (p.Gly170Arg)

Gene: TANGO2 (transport and golgi organization 2 homolog; plus strand). Cytogenetic location: 22q11.21.
Variant type: single nucleotide variant.
Coding change: c.508G>A on transcript NM_152906.7 (MANE Select); coding-DNA position 508, G replaced by A.
Protein change: p.Gly170Arg; replaces glycine 170 with arginine.
Molecular consequence: missense variant. On other transcripts: non-coding transcript variant (3), intron variant (4).
Genome position (GRCh38, 1-based): chr22:20,061,586, G>A. VCF-style: chr22-20061586-G-A. GRCh37 (hg19) VCF-style: chr22-20049109-G-A.
Other names: c.508G>A, p.Gly170Arg (NM_001283106.3, NM_001283148.3, NM_001283154.3 and 2 more transcripts); c.214G>A, p.Gly72Arg (NM_001283235.3, NM_001322150.2, NM_001322153.2 and 6 more transcripts); c.631G>A, p.Gly211Arg (NM_001322141.2, NM_001322143.2, NM_001322144.2 and 1 more transcripts); c.445G>A, p.Gly149Arg (NM_001322145.2, NM_001322147.2); c.406G>A, p.Gly136Arg (NM_001322146.2, NM_001322148.2, NM_001322160.2); c.322G>A, p.Gly108Arg (NM_001283179.3, NM_001283186.3, NM_001322163.2 and 3 more transcripts); c.381-1752G>A (NM_001283199.3); c.575-2956G>A (NM_001283215.3); and 2 more; short protein forms G136R, G211R, G149R, G72R, G108R, G170R.
Identifiers: ClinVar variation 1494547 (VCV001494547.7), dbSNP rs1568917900, ClinGen allele CA410699210.
Genomic context (GRCh38, chr22:20,061,586, plus strand): 5'-ACAGGCACCTACGGGCTGAGCAACGCGCTGCTGGAGACTCCCTGGAGGAAGCTGTGCTTT[G>A]GGAAGCAGCTCTTCCTGGAGGCTGTGGAACGGAGCCAGGCGCTGCCCAAGGATGTGCTCA-3'
Protein context (NP_690870.3, residues 160-180): LETPWRKLCF[Gly170Arg]KQLFLEAVER

ClinVar aggregate classification (germline): Uncertain significance (1 of 4 stars; one submission).

Allele frequency attached by ClinVar (database versions not stated): gnomAD exomes below 0.00001.

Submission:

Labcorp Genetics (formerly Invitae), Labcorp
Classification: Uncertain significance. Last evaluated: 2021-05-29. Review status: criteria provided, single submitter. Criteria: Invitae Variant Classification Sherloc (09022015). Collection method: clinical testing. Allele origin: germline.
Comment: In summary, the available evidence is currently insufficient to determine the role of this variant in disease. Therefore, it has been classified as a Variant of Uncertain Significance. Algorithms developed to predict the effect of missense changes on protein structure and function are either unavailable or do not agree on the potential impact of this missense change (SIFT: "Not Available"; PolyPhen-2: "Probably Damaging"; Align-GVGD: "Not Available"). This variant has not been reported in the literature in individuals with TANGO2-related conditions. This variant is not present in population databases (ExAC no frequency). This sequence change replaces glycine with arginine at codon 170 of the TANGO2 protein (p.Gly170Arg). The glycine residue is highly conserved and there is a moderate physicochemical difference between glycine and arginine.